The following is an entry in ClinVar:

ClinVar aggregate classification (germline): Uncertain significance (1 of 4 stars; one submission).

Submission:

Ambry Genetics
Classification: Uncertain significance. Last evaluated: 2024-06-10. Review status: criteria provided, single submitter. Criteria: Ambry Variant Classification Scheme 2023. Collection method: clinical testing. Allele origin: germline.
Comment: The p.M498I variant (also known as c.1494G>A), located in coding exon 14 of the RAD54L gene, results from a G to A substitution at nucleotide position 1494. The methionine at codon 498 is replaced by isoleucine, an amino acid with highly similar properties. This amino acid position is conserved. In addition, this alteration is predicted to be deleterious by in silico analysis. Since supporting evidence is limited at this time, the clinical significance of this alteration remains unclear.

NM_003579.4(RAD54L):c.1494G>A (p.Met498Ile)

Gene: RAD54L (RAD54 like; plus strand). Cytogenetic location: 1p34.1.
Variant type: single nucleotide variant.
Coding change: c.1494G>A on transcript NM_003579.4 (MANE Select); coding-DNA position 1494, G replaced by A.
Protein change: p.Met498Ile; replaces methionine 498 with isoleucine.
Molecular consequence: missense variant.
Genome position (GRCh38, 1-based): chr1:46,273,631, G>A. VCF-style: chr1-46273631-G-A. GRCh37 (hg19) VCF-style: chr1-46739303-G-A.
Other names: c.1494G>A, p.Met498Ile (NM_001142548.2); c.954G>A, p.Met318Ile (NM_001370766.1); short protein forms M498I, M318I.
Identifiers: ClinVar variation 1773849 (VCV001773849.3), dbSNP rs1330713602, ClinGen allele CA340181622.